The following is an entry in ClinVar:

ClinVar aggregate classification (germline): Benign/Likely benign. Review status: criteria provided, multiple submitters, no conflicts (2 of 4 stars). 3 submissions from 3 submitters: Benign (1); Likely benign (2). Last evaluated 2026-03-21.

Conditions:
Juvenile polyposis/hereditary hemorrhagic telangiectasia syndrome (JPHT). Also called: JP/HHT SYNDROME; JUVENILE POLYPOSIS WITH HEREDITARY HEMORRHAGIC TELANGIECTASIA; Juvenile Polyposis Syndrome / Hereditary Hemorrhagic Telangiectasia (JPS/HHT); POLYPOSIS, GENERALIZED JUVENILE, WITH PULMONARY ARTERIOVENOUS MALFORMATION; TELANGIECTASIA, HEREDITARY HEMORRHAGIC, WITH JUVENILE POLYPOSIS COLI. Identifiers: Orphanet 2929, MedGen C1832942, MONDO:0008278, OMIM 175050.
Familial thoracic aortic aneurysm and aortic dissection (TAAD). Also called: Thoracic aortic aneurysms and dissections. Identifiers: Orphanet 91387, MedGen C4707243, MONDO:0019625.
Hereditary cancer-predisposing syndrome. Also called: Hereditary neoplastic syndrome; Neoplastic Syndromes, Hereditary; Tumor predisposition; Hereditary Cancer Syndrome. Identifiers: Orphanet 140162, MedGen C0027672, MeSH D009386, MONDO:0015356.
Juvenile polyposis syndrome (JPS). Identifiers: Orphanet 2929, MedGen C0345893, MONDO:0017380, OMIM 174900.

Submissions (3):

Ambry Genetics
Classification: Likely benign for Hereditary cancer-predisposing syndrome; Familial thoracic aortic aneurysm and aortic dissection. Last evaluated: 2026-03-21. Review status: criteria provided, single submitter. Criteria: Ambry Variant Classification Scheme 2023. Collection method: clinical testing. Allele origin: germline.

Myriad Genetics, Inc.
Classification: Benign for Juvenile polyposis/hereditary hemorrhagic telangiectasia syndrome. Last evaluated: 2025-03-19. Review status: criteria provided, single submitter. Criteria: Myriad Autosomal Dominant, Autosomal Recessive and X-Linked Classification Criteria (2023). Collection method: clinical testing. Allele origin: unknown.
Comment: This variant is considered benign. This variant is a silent/synonymous amino acid change and it is not expected to impact splicing.

Labcorp Genetics (formerly Invitae), Labcorp
Classification: Likely benign for Juvenile polyposis syndrome. Last evaluated: 2019-10-21. Review status: criteria provided, single submitter. Criteria: Invitae Variant Classification Sherloc (09022015). Collection method: clinical testing. Allele origin: germline.

NM_005359.6(SMAD4):c.510A>T (p.Pro170=)

Gene: SMAD4 (SMAD family member 4; plus strand). Cytogenetic location: 18q21.2.
Variant type: single nucleotide variant.
Coding change: c.510A>T on transcript NM_005359.6 (MANE Select); coding-DNA position 510, A replaced by T.
Protein change: p.Pro170=; no amino-acid change (proline 170 retained).
Molecular consequence: synonymous variant.
Genome position (GRCh38, 1-based): chr18:51,054,836, A>T. VCF-style: chr18-51054836-A-T. GRCh37 (hg19) VCF-style: chr18-48581206-A-T.
Other names: c.510A>T (NM_005359.5).
Identifiers: ClinVar variation 1111987 (VCV001111987.11), dbSNP rs144226135, ClinGen allele CA503873692.